The following is an entry in ClinVar:

NM_001242.5(CD27):c.564T>G (p.Asp188Glu)

Genes: CD27 (CD27 molecule; plus strand), CD27-AS1 (CD27 antisense RNA 1; minus strand), LOC130007242 (ATAC-STARR-seq lymphoblastoid active region 5859; plus strand). Cytogenetic location: 12p13.31.
Variant type: single nucleotide variant.
Coding change: c.564T>G on transcript NM_001242.5 (MANE Select); coding-DNA position 564, T replaced by G.
Protein change: p.Asp188Glu; replaces aspartic acid 188 with glutamic acid.
Molecular consequence: missense variant. On other transcripts: non-coding transcript variant (1).
Genome position (GRCh38, 1-based): chr12:6,450,920, T>G. VCF-style: chr12-6450920-T-G. GRCh37 (hg19) VCF-style: chr12-6560086-T-G.
Other names: short protein forms D188E.
Identifiers: ClinVar variation 1041808 (VCV001041808.9), dbSNP rs1949528650, ClinGen allele CA383551057.
Genomic context (GRCh38, chr12:6,450,920, plus strand): 5'-CTCCCCTAACCCCTGTGTGTCCCCTCCTATTACAGCCCAAAGATCCCTGTGCAGCTCCGA[T>G]TTTATTCGCATCCTTGTGATCTTCTCTGGAATGTTCCTTGTTTTCACCCTGGCCGGGGCC-3'
Protein context (NP_001233.2, residues 178-198): WPPQRSLCSS[Asp188Glu]FIRILVIFSG

ClinVar aggregate classification (germline): Uncertain significance (1 of 4 stars; one submission).

Conditions:
Lymphoproliferative syndrome 2 (LPFS2). Also called: CD27 DEFICIENCY; Combined immunodeficiency due to CD27 deficiency. Identifiers: Orphanet 238505, MedGen C3554540, MONDO:0014054, OMIM 615122.

Submission:

Labcorp Genetics (formerly Invitae), Labcorp
Classification: Uncertain significance for Lymphoproliferative syndrome 2. Last evaluated: 2020-07-12. Review status: criteria provided, single submitter. Criteria: Invitae Variant Classification Sherloc (09022015). Collection method: clinical testing. Allele origin: germline.
Comment: In summary, the available evidence is currently insufficient to determine the role of this variant in disease. Therefore, it has been classified as a Variant of Uncertain Significance. Algorithms developed to predict the effect of missense changes on protein structure and function output the following: SIFT: "Deleterious"; PolyPhen-2: "Benign"; Align-GVGD: "Class C0". The glutamic acid amino acid residue is found in multiple mammalian species, suggesting that this missense change does not adversely affect protein function. These predictions have not been confirmed by published functional studies and their clinical significance is uncertain. This variant has not been reported in the literature in individuals with CD27-related conditions. This variant is not present in population databases (ExAC no frequency). This sequence change replaces aspartic acid with glutamic acid at codon 188 of the CD27 protein (p.Asp188Glu). The aspartic acid residue is highly conserved and there is a small physicochemical difference between aspartic acid and glutamic acid.